The following is an entry in ClinVar:

ClinVar aggregate classification (germline): Conflicting classifications of pathogenicity. Review status: criteria provided, conflicting classifications (1 of 4 stars). 3 submissions from 3 submitters: Pathogenic (1); Uncertain significance (2). Last evaluated 2026-01-15.

Conditions:
Hypertrophic cardiomyopathy 20. Identifiers: MedGen C3151267, MONDO:0013477, OMIM 613876.
Dilated cardiomyopathy 1CC (CMD1CC). Identifiers: Orphanet 154, MedGen C2751084, MONDO:0013147, OMIM 613122.
Cardiomyopathy (CMYO). Also called: Cardiomyopathies. Identifiers: Orphanet 167848, MedGen C0878544, MONDO:0004994, HP:0001638. Inheritance: Various modes of inheritance.
Cardiovascular phenotype. Identifiers: MedGen CN230736.

Allele frequency attached by ClinVar (database versions not stated): gnomAD 0.00001; TOPMed 0.00001.
gnomAD v4.1: 17 of 1,613,426 alleles (0.0011%); highest among the groups gnomAD compares: Non-Finnish European, 0.0014%; no homozygotes.

Submissions (3):

Labcorp Genetics (formerly Invitae), Labcorp
Classification: Pathogenic for Dilated cardiomyopathy 1CC; Hypertrophic cardiomyopathy 20. Last evaluated: 2026-01-15. Review status: criteria provided, single submitter. Criteria: Invitae Variant Classification Sherloc (09022015). Collection method: clinical testing. Allele origin: germline.
Comment: This sequence change creates a premature translational stop signal (p.Arg125*) in the NEXN gene. It is expected to result in an absent or disrupted protein product. Loss-of-function variants in NEXN are known to be pathogenic (PMID: 19881492, 32058062, 32814711, 32870709, 33949776, 38059363, 40680702). This variant is not present in population databases (gnomAD no frequency). This variant has not been reported in the literature in individuals affected with NEXN-related conditions. ClinVar contains an entry for this variant (Variation ID: 915602). For these reasons, this variant has been classified as Pathogenic.

Ambry Genetics
Classification: Uncertain significance for Cardiovascular phenotype. Last evaluated: 2025-06-06. Review status: criteria provided, single submitter. Criteria: Ambry Variant Classification Scheme 2023. Collection method: clinical testing. Allele origin: germline.
Comment: The p.R125* variant (also known as c.373C>T), located in coding exon 4 of the NEXN gene, results from a C to T substitution at nucleotide position 373. This changes the amino acid from an arginine to a stop codon within coding exon 4. This variant has been reported in a cardiomyopathy cohort (Akinrinade O et al. J Cardiovasc Transl Res, 2023 Dec;16:1287-1302). Although biallelic loss of function alterations in NEXN have been associated with autosomal recessive NEXN-related cardiomyopathy, haploinsufficiency for NEXN has not been clearly established as a mechanism of disease for autosomal dominant NEXN-related cardiomyopathy. Based on the supporting evidence, this variant is expected to be causative of autosomal recessive NEXN-related cardiomyopathy when present along with a second pathogenic variant on the other allele; however, its clinical significance for autosomal dominant NEXN-related cardiomyopathy is unclear.

CHEO Genetics Diagnostic Laboratory, Children's Hospital of Eastern Ontario
Classification: Uncertain significance for Cardiomyopathy. Last evaluated: 2022-05-30. Review status: criteria provided, single submitter. Criteria: ACMG Guidelines, 2015. Collection method: clinical testing. Allele origin: germline.

Literature cited by the submitters: PubMed 19881492 (cited by Labcorp Genetics (formerly Invitae), Labcorp); PubMed 32058062 (cited by Labcorp Genetics (formerly Invitae), Labcorp); PubMed 32814711 (cited by Labcorp Genetics (formerly Invitae), Labcorp); PubMed 32870709 (cited by Labcorp Genetics (formerly Invitae), Labcorp); PubMed 33949776 (cited by Labcorp Genetics (formerly Invitae), Labcorp); PubMed 38059363 (cited by Labcorp Genetics (formerly Invitae), Labcorp); PubMed 40680702 (cited by Labcorp Genetics (formerly Invitae), Labcorp); PubMed 37477868 (cited by Ambry Genetics).

NM_144573.4(NEXN):c.373C>T (p.Arg125Ter)

Genes: NEXN (nexilin F-actin binding protein; plus strand), LOC126805765 (BRD4-independent group 4 enhancer GRCh37_chr1:78383688-78384887; plus strand). Cytogenetic location: 1p31.1.
Variant type: single nucleotide variant.
Coding change: c.373C>T on transcript NM_144573.4 (MANE Select); coding-DNA position 373, C replaced by T.
Protein change: p.Arg125Ter; replaces arginine 125 with a stop codon.
Molecular consequence: nonsense.
Genome position (GRCh38, 1-based): chr1:77,918,199, C>T. VCF-style: chr1-77918199-C-T. GRCh37 (hg19) VCF-style: chr1-78383884-C-T.
Other names: c.181C>T, p.Arg61Ter (NM_001172309.2); short protein forms R125*, R61*.
Identifiers: ClinVar variation 915602 (VCV000915602.6), dbSNP rs773500471, ClinGen allele CA340886583.